The following is an entry in ClinVar:

ClinVar aggregate classification (germline): Uncertain significance. Review status: criteria provided, multiple submitters, no conflicts (2 of 4 stars). 2 submissions from 2 submitters: Uncertain significance (2). Last evaluated 2026-08-04.

Conditions:
PTPRQ-related disorder. Also called: PTPRQ-related condition.

Allele frequency attached by ClinVar (database versions not stated): TOPMed 0.00003; gnomAD 0.00005; gnomAD exomes 0.00005; ExAC 0.00010.
gnomAD v4.1: 71 of 1,548,450 alleles (0.0046%); highest among the groups gnomAD compares: Non-Finnish European, 0.0052%; no homozygotes.

Submissions (2):

PreventionGenetics, part of Exact Sciences
Classification: Uncertain significance for PTPRQ-related condition. Last evaluated: 2026-08-04. Review status: criteria provided, single submitter. Criteria: ACMG Guidelines, 2015. Collection method: clinical testing. Allele origin: germline.
Comment: The PTPRQ c.5424T>A variant is predicted to result in the amino acid substitution p.Asp1808Glu. To our knowledge, this variant has not been reported in the literature. This variant is reported in 0.011% of alleles in individuals of European (Finnish) descent in gnomAD. At this time, the clinical significance of this variant is uncertain due to the absence of conclusive functional and genetic evidence.

GeneDx
Classification: Uncertain significance. Last evaluated: 2026-02-18. Review status: criteria provided, single submitter. Criteria: GeneDx Variant Classification Process June 2021. Collection method: clinical testing. Allele origin: germline.
Comment: In silico analysis suggests that this missense variant does not alter protein structure/function; Has not been previously published as pathogenic or benign to our knowledge

NM_001145026.2(PTPRQ):c.5424T>A (p.Asp1808Glu)

Gene: PTPRQ (protein tyrosine phosphatase receptor type Q; plus strand). Cytogenetic location: 12q21.31.
Variant type: single nucleotide variant.
Coding change: c.5424T>A on transcript NM_001145026.2 (MANE Select); coding-DNA position 5424, T replaced by A.
Protein change: p.Asp1808Glu; replaces aspartic acid 1808 with glutamic acid.
Molecular consequence: missense variant.
Genome position (GRCh38, 1-based): chr12:80,620,188, T>A. VCF-style: chr12-80620188-T-A. GRCh37 (hg19) VCF-style: chr12-81013967-T-A.
Other names: short protein forms D1808E.
Identifiers: ClinVar variation 2500687 (VCV002500687.3), dbSNP rs756421113, ClinGen allele CA6702829.